The following is an entry in ClinVar:

ClinVar aggregate classification (germline): Pathogenic (1 of 4 stars; one submission).

Conditions:
Meckel-Gruber syndrome. Also called: Dysencephalia splachnocystica; DYSENCEPHALIA SPLANCHNOCYSTICA; GRUBER SYNDROME. Identifiers: Orphanet 564, MedGen C0265215, MONDO:0018921.
Nephronophthisis. Also called: Juvenile Nephronophthisis. Identifiers: Orphanet 655, MedGen C0687120, MONDO:0019005, HP:0000090.
Joubert syndrome. Also called: Familial aplasia of the vermis; CEREBELLOPARENCHYMAL DISORDER IV; JOUBERT-BOLTSHAUSER SYNDROME. Identifiers: Orphanet 475, MedGen C5979921, MONDO:0018772.

Submission:

Labcorp Genetics (formerly Invitae), Labcorp
Classification: Pathogenic for Joubert syndrome; Meckel-Gruber syndrome; Nephronophthisis. Last evaluated: 2019-06-06. Review status: criteria provided, single submitter. Criteria: Invitae Variant Classification Sherloc (09022015). Collection method: clinical testing. Allele origin: germline.
Comment: This variant is not present in population databases (ExAC no frequency). This sequence change creates a premature translational stop signal (p.Ile465*) in the CEP290 gene. It is expected to result in an absent or disrupted protein product. This variant has not been reported in the literature in individuals with CEP290-related conditions. For these reasons, this variant has been classified as Pathogenic. Loss-of-function variants in CEP290 are known to be pathogenic (PMID: 16909394, 17345604, 20690115).

Literature cited by the submitters: PubMed 16909394; PubMed 17345604; PubMed 20690115.

NM_025114.4(CEP290):c.1393del (p.Glu464_Ile465insTer)

Gene: CEP290 (centrosomal protein 290; minus strand). Cytogenetic location: 12q21.32.
Variant type: Deletion.
Coding change: c.1393del on transcript NM_025114.4 (MANE Select); coding-DNA position 1393, one base deleted (A; older notation c.1393delA).
Protein change: p.Glu464_Ile465insTer.
Molecular consequence: nonsense.
Genome position (GRCh38, 1-based): chr12:88,120,243, T deleted on the plus strand (A on the coding strand, the reverse complement: CEP290 is on the minus strand); the first of 3 consecutive T bases (chr12:88,120,243-88,120,245); deleting any one gives the same sequence. VCF-style (leftmost placement, unchanged base first): chr12-88120242-AT-A. GRCh37 (hg19) VCF-style: chr12-88514019-AT-A.
Identifiers: ClinVar variation 944009 (VCV000944009.8), dbSNP rs2039321844, ClinGen allele CA1139662807.
Genomic context (GRCh38, chr12:88,120,242, plus strand): 5'-TCCTTTGTTAATATTTCAATCTCTCGATCTCTTATTTTAATTTGGTTTTTACAATTCTTT[AT>A]TTCAACGACAGCATCTTCTAAACCATATACTCCCTGAAAAATATCCAATTTAATTTAAAA-3'